The following is an entry in ClinVar:

ClinVar aggregate classification (germline): Uncertain significance (1 of 4 stars; one submission).

Conditions:
Ehlers-Danlos syndrome, classic type, 1 (EDSCL1). Also called: Ehlers-Danlos syndrome, type 1; Ehlers-Danlos Syndrome, Classic Type, COL5A1-Related; EDS I; EHLERS-DANLOS SYNDROME, GRAVIS TYPE; EHLERS-DANLOS SYNDROME, SEVERE CLASSIC TYPE. Identifiers: MedGen C0268335, MONDO:0019567, OMIM 130000.

Submission:

Labcorp Genetics (formerly Invitae), Labcorp
Classification: Uncertain significance for Ehlers-Danlos syndrome, classic type, 1. Last evaluated: 2019-04-23. Review status: criteria provided, single submitter. Criteria: Invitae Variant Classification Sherloc (09022015). Collection method: clinical testing. Allele origin: germline.
Comment: This sequence change replaces proline with alanine at codon 947 of the COL5A2 protein (p.Pro947Ala). The proline residue is highly conserved and there is a small physicochemical difference between proline and alanine. This variant is not present in population databases (ExAC no frequency). This variant has not been reported in the literature in individuals with COL5A2-related conditions. Algorithms developed to predict the effect of missense changes on protein structure and function are either unavailable or do not agree on the potential impact of this missense change (SIFT: "Tolerated"; PolyPhen-2: "Not Available"; Align-GVGD: "Class C0"). In summary, the available evidence is currently insufficient to determine the role of this variant in disease. Therefore, it has been classified as a Variant of Uncertain Significance.

NM_000393.5(COL5A2):c.2839C>G (p.Pro947Ala)

Gene: COL5A2 (collagen type V alpha 2 chain; minus strand). Cytogenetic location: 2q32.2.
Variant type: single nucleotide variant.
Coding change: c.2839C>G on transcript NM_000393.5 (MANE Select); coding-DNA position 2839, C replaced by G.
Protein change: p.Pro947Ala; replaces proline 947 with alanine.
Molecular consequence: missense variant.
Genome position (GRCh38, 1-based): chr2:189,051,412, G>C on the plus strand (C>G on the coding strand, the complement: COL5A2 is on the minus strand). VCF-style: chr2-189051412-G-C. GRCh37 (hg19) VCF-style: chr2-189916138-G-C.
Other names: short protein forms P947A.
Identifiers: ClinVar variation 840649 (VCV000840649.11), dbSNP rs1027615025, ClinGen allele CA349868094.